The following is an entry in ClinVar:

NM_152703.5(SAMD9L):c.2069G>A (p.Gly690Asp)

Gene: SAMD9L (sterile alpha motif domain containing 9 like; minus strand). Cytogenetic location: 7q21.2.
Variant type: single nucleotide variant.
Coding change: c.2069G>A on transcript NM_152703.5 (MANE Select); coding-DNA position 2069, G replaced by A.
Protein change: p.Gly690Asp; replaces glycine 690 with aspartic acid.
Molecular consequence: missense variant.
Genome position (GRCh38, 1-based): chr7:93,133,903, C>T on the plus strand (G>A on the coding strand, the complement: SAMD9L is on the minus strand). VCF-style: chr7-93133903-C-T. GRCh37 (hg19) VCF-style: chr7-92763216-C-T.
Other names: c.2069G>A (NM_152703.3, NM_152703.4); c.2069G>A, p.Gly690Asp (NM_001303496.3, NM_001303497.3, NM_001303498.3 and 5 more transcripts); short protein forms G690D.
Identifiers: ClinVar variation 1049582 (VCV001049582.22), dbSNP rs147903234, ClinGen allele CA4343640.
Genomic context (GRCh38, chr7:93,133,903, plus strand): 5'-ACAAAATCTGAAGAATAGTTTTCAGAAGAAAAATAGAAGTTCCACCAGGATACTTTGCCA[C>T]CTCGATAAAAGTGTTCTTCTTTTGATTTCTTAAACTCCAGGAATTTAGATTTGTCTTTCT-3'
Protein context (NP_689916.2, residues 680-700): KKSKEEHFYR[Gly690Asp]GKVSWWNFYF

ClinVar aggregate classification (germline): Conflicting classifications of pathogenicity. Review status: criteria provided, conflicting classifications (1 of 4 stars). 11 submissions from 11 submitters: Uncertain significance (6); Likely benign (2). 3 of the submissions do not count toward it. Last evaluated 2026-01-27.

Conditions:
Monosomy 7 myelodysplasia and leukemia syndrome 1. Also called: CHROMOSOME 7q DELETION; Familial Mosaic Monosomy 7 Syndrome; Monosomy 7 of bone marrow. Identifiers: MedGen C1854978, MONDO:0009646, OMIM 252270.
Spinocerebellar ataxia 49 (SCA49). Identifiers: Orphanet 631106, MedGen C5676950, MONDO:0030805, OMIM 619806.
Ataxia-pancytopenia syndrome (ATXPC). Also called: SAMD9L-Related Syndrome; SAMD9L Ataxia-Pancytopenia Syndrome. Identifiers: Orphanet 2585, MedGen C1327919, MONDO:0008038, OMIM 159550.
SAMD9L-related disorder. Also called: SAMD9L-related disorders; SAMD9L-related condition.

Allele frequency attached by ClinVar (database versions not stated): 1000 Genomes Project 30x 0.00016; 1000 Genomes Project 0.00020; ESP Exome Variant Server 0.00023; gnomAD exomes 0.00036 and 0.00040; TOPMed 0.00040; gnomAD 0.00041; ExAC 0.00043.

Submissions (11):

Labcorp Genetics (formerly Invitae), Labcorp
Classification: Likely benign. Last evaluated: 2026-01-27. Review status: criteria provided, single submitter. Criteria: Invitae Variant Classification Sherloc (09022015). Collection method: clinical testing. Allele origin: germline.

PreventionGenetics, part of Exact Sciences
Classification: Uncertain significance for SAMD9L-related condition. Last evaluated: 2025-12-31. Review status: criteria provided, single submitter. Criteria: ACMG Guidelines, 2015. Collection method: clinical testing. Allele origin: germline.
Comment: The SAMD9L c.2069G>A variant is predicted to result in the amino acid substitution p.Gly690Asp. This variant has been reported in individuals with SAMD9L-related disorders (Supplemental Table 6, Sahoo et al. 2021. PubMed ID: 34621053; Supplemental Table 4, Molteni et al. 2023. PubMed ID: 37216690). This variant is reported in 0.065% of alleles in individuals of European (non-Finnish) descent in gnomAD. Although we suspect that this variant may be benign, at this time, the clinical significance of this variant is uncertain due to the absence of conclusive functional and genetic evidence.

GeneDx
Classification: Uncertain significance. Last evaluated: 2025-03-25. Review status: criteria provided, single submitter. Criteria: GeneDx Variant Classification Process June 2021. Collection method: clinical testing. Allele origin: germline.
Comment: In silico analysis supports that this missense variant has a deleterious effect on protein structure/function; Observed in the germline of multiple pediatric patients with myelodysplastic syndrome as well as in an adult with aplastic anemia (PMID: 37216690, 34621053); This variant is associated with the following publications: (PMID: 34621053, 37216690)

Blueprint Genetics
Classification: Likely benign. Last evaluated: 2024-10-01. Review status: criteria provided, single submitter. Criteria: ACMG Guidelines, 2015. Collection method: clinical testing. Allele origin: germline.

Revvity Omics, Revvity
Classification: Uncertain significance. Last evaluated: 2023-12-22. Review status: criteria provided, single submitter. Criteria: ACMG Guidelines, 2015. Collection method: clinical testing. Allele origin: germline.

Johns Hopkins Genomics, Johns Hopkins University
Classification: Uncertain significance for Ataxia-pancytopenia syndrome. Last evaluated: 2021-06-21. Review status: criteria provided, single submitter. Criteria: ACMG Guidelines, 2015. Collection method: clinical testing. Allele origin: germline.
Comment: SAMD9L c.2069G>A (rs147903234) is rare (<0.1%) in a large population dataset (gnomAD: 108/281094 total alleles; 0.04%; no homozygotes) and has been reported in ClinVar (Variation ID: 1049582). Three bioinformatic tools queried predict that this substitution would be damaging and the glycine residue at this position is evolutionarily conserved across all species assessed. We consider the clinical significance of SAMD9L c.2069G>A to be uncertain at this time.

Genetic Services Laboratory, University of Chicago
Classification: Uncertain significance. Last evaluated: 2020-12-03. Review status: criteria provided, single submitter. Criteria: ACMG Guidelines, 2015. Collection method: clinical testing. Allele origin: germline. Affected: no.
Comment: DNA sequence analysis of the SAMD9L gene demonstrated a sequence change, c.2069G>A, in exon 5 that results in an amino acid change, p.Gly690Asp. This sequence change does not appear to have been previously described in individuals with SAMD9L-related disorders and has been described in the gnomAD database with a frequency of 0.066% in the European sub-population (dbSNP rs147903234). The p.Gly690Asp change affects a highly conserved amino acid residue located in a domain of the SAMD9L protein that is not known to be functional. The p.Gly690Asp substitution appears to be deleterious using several in-silico pathogenicity prediction tools (SIFT, PolyPhen2, Align GVGD, REVEL). Due to these contrasting evidences and the lack of functional studies, the clinical significance of the p.Gly690Asp change remains unknown at this time.

Center for Genomics, Ann and Robert H. Lurie Children's Hospital of Chicago
Classification: Uncertain significance for Ataxia-pancytopenia syndrome; Monosomy 7 myelodysplasia and leukemia syndrome 1; Spinocerebellar ataxia 49. Review status: criteria provided, single submitter. Criteria: ACMG Guidelines, 2015. Collection method: clinical testing. Allele origin: germline.
Comment: This variant has been reported in the literature in 3 individuals with myelodysplastic syndrome (Sahoo 2021 PMID:34621053). This variant is present in the Genome Aggregation Database (Highest reported MAF: 0.07% [84/128246]), and in ClinVar (Variation ID:1049582). Evolutionary conservation and computational predictive tools suggest that this variant may impact the protein. In summary, data on this variant is insufficient for disease classification. Therefore, the clinical significance of this variant is uncertain.

Department of Pathology and Laboratory Medicine, Sinai Health System
Classification: Uncertain significance. Review status: no assertion criteria provided. Collection method: clinical testing. Allele origin: unknown. Affected: yes. Study: The Canadian Open Genetics Repository (COGR). Not counted in ClinVar's aggregate classification.
Comment: The SAMD9L p.Gly690Asp variant was not identified in the literature nor was it identified in ClinVar, Cosmic, or LOVD 3.0. The variant was identified in dbSNP (ID: rs147903234). The variant was identified in control databases in 108 of 281094 chromosomes at a frequency of 0.000384 increasing the likelihood this could be a low frequency benign variant (Genome Aggregation Database Feb 27, 2017). The variant was observed in the following populations: European (non-Finnish) in 84 of 128246 chromosomes (freq: 0.000655), Latino in 20 of 35320 chromosomes (freq: 0.000566), Other in 4 of 7136 chromosomes (freq: 0.000561), while the variant was not observed in the African, Ashkenazi Jewish, East Asian, European (Finnish), and South Asian populations. The p.Gly690 residue is conserved across mammals and other organisms, and four out of five computational analyses (PolyPhen-2, SIFT, AlignGVGD, BLOSUM) suggest that the G variant may impact the protein; however, this information is not predictive enough to assume pathogenicity. The variant occurs outside of the splicing consensus sequence and in silico or computational prediction software programs (SpliceSiteFinder, MaxEntScan, NNSPLICE, GeneSplicer) do not predict a difference in splicing. In summary, based on the above information the clinical significance of this variant cannot be determined with certainty at this time. This variant is classified as a variant of uncertain significance.

Diagnostic Laboratory, Department of Genetics, University Medical Center Groningen
Classification: Uncertain significance. Review status: no assertion criteria provided. Collection method: clinical testing. Allele origin: germline. Affected: yes. Study: VKGL Data-share Consensus. Not counted in ClinVar's aggregate classification.

Joint Genome Diagnostic Labs from Nijmegen and Maastricht, Radboudumc and MUMC+
Classification: Uncertain significance. Review status: no assertion criteria provided. Collection method: clinical testing. Allele origin: germline. Affected: yes. Study: VKGL Data-share Consensus. Not counted in ClinVar's aggregate classification.